The following is an entry in ClinVar:

NM_001375567.1(FOCAD):c.4154C>G (p.Ser1385Cys)

Gene: FOCAD (focadhesin; plus strand). Cytogenetic location: 9p21.3.
Variant type: single nucleotide variant.
Coding change: c.4154C>G on transcript NM_001375567.1 (MANE Select); coding-DNA position 4154, C replaced by G.
Protein change: p.Ser1385Cys; replaces serine 1385 with cysteine.
Molecular consequence: missense variant.
Genome position (GRCh38, 1-based): chr9:20,976,441, C>G. VCF-style: chr9-20976441-C-G. GRCh37 (hg19) VCF-style: chr9-20976440-C-G.
Other names: c.4049C>G, p.Ser1350Cys (NM_001375568.1, NM_001375570.1); c.4154C>G, p.Ser1385Cys (NM_017794.5); short protein forms S1350C, S1385C.
Identifiers: ClinVar variation 3642895 (VCV003642895.2).

ClinVar aggregate classification (germline): Uncertain significance (1 of 4 stars; one submission).

Submission:

Labcorp Genetics (formerly Invitae), Labcorp
Classification: Uncertain significance. Last evaluated: 2024-04-30. Review status: criteria provided, single submitter. Criteria: Invitae Variant Classification Sherloc (09022015). Collection method: clinical testing. Allele origin: germline.
Comment: This sequence change replaces serine, which is neutral and polar, with cysteine, which is neutral and slightly polar, at codon 1385 of the FOCAD protein (p.Ser1385Cys). This variant is not present in population databases (gnomAD no frequency). This variant has not been reported in the literature in individuals affected with FOCAD-related conditions. Experimental studies and prediction algorithms are not available or were not evaluated, and the functional significance of this variant is currently unknown. In summary, the available evidence is currently insufficient to determine the role of this variant in disease. Therefore, it has been classified as a Variant of Uncertain Significance.